The following is an entry in ClinVar:

NM_001130987.2(DYSF):c.1373G>A (p.Gly458Glu)

Gene: DYSF (dysferlin; plus strand). Cytogenetic location: 2p13.2.
Variant type: single nucleotide variant.
Coding change: c.1373G>A on transcript NM_001130987.2 (MANE Select); coding-DNA position 1373, G replaced by A.
Protein change: p.Gly458Glu; replaces glycine 458 with glutamic acid.
Molecular consequence: missense variant.
Genome position (GRCh38, 1-based): chr2:71,528,394, G>A. VCF-style: chr2-71528394-G-A. GRCh37 (hg19) VCF-style: chr2-71755524-G-A.
Other names: c.1280G>A, p.Gly427Glu (NM_001130455.2, NM_001130983.2, NM_001130984.2 and 1 more transcripts); c.1277G>A, p.Gly426Glu (NM_001130976.2, NM_001130977.2, NM_001130978.2 and 1 more transcripts); c.1370G>A, p.Gly457Glu (NM_001130979.2, NM_001130980.2, NM_001130981.2); c.1373G>A, p.Gly458Glu (NM_001130982.2, NM_001130985.2); short protein forms G426E, G457E, G427E, G458E.
Identifiers: ClinVar variation 3698600 (VCV003698600.3).
Genomic context (GRCh38, chr2:71,528,394, plus strand): 5'-TTGGCTTCGAGAGTAACAAGAAGAACTTGGTGGACCCCTTTGTGGAGGTCAGCTTTGCGG[G>A]GAAAATGGTAAGGAGCAAGGGAGCAGGAGGGTTCTCTCGGGAGGGGACTTTCTGGTGCCC-3'
Protein context (NP_001124459.1, residues 448-468): VDPFVEVSFA[Gly458Glu]KMLCSKILEK

ClinVar aggregate classification (germline): Conflicting classifications of pathogenicity. Review status: criteria provided, conflicting classifications (1 of 4 stars). 2 submissions from 2 submitters: Likely pathogenic (1); Uncertain significance (1). Last evaluated 2026-02-18.

Conditions:
Neuromuscular disease caused by qualitative or quantitative defects of dysferlin. Also called: Dysferlinopathy; Qualitative or quantitative defects of dysferlin. Identifiers: Orphanet 207073, MedGen C2931687, MONDO:0016145.

Submissions (2):

Women's Health and Genetics/Laboratory Corporation of America, LabCorp
Classification: Uncertain significance. Last evaluated: 2026-02-18. Review status: criteria provided, single submitter. Criteria: LabCorp Variant Classification Summary - May 2015. Collection method: clinical testing. Allele origin: germline.
Comment: Variant summary: DYSF c.1277G>A (p.Gly426Glu) results in a non-conservative amino acid change in the encoded protein sequence. Algorithms developed to predict the effect of missense changes on protein structure and function all suggest that this variant is likely to be disruptive. The variant was absent in 250854 control chromosomes. The available data on variant occurrences in the general population are insufficient to allow any conclusion about variant significance. To our knowledge, no occurrence of c.1277G>A in individuals affected with DYSF-related conditions and no experimental evidence demonstrating its impact on protein function have been reported. ClinVar contains an entry for this variant (Variation ID: 3698600). Based on the evidence outlined above, the variant was classified as uncertain significance.

Labcorp Genetics (formerly Invitae), Labcorp
Classification: Likely pathogenic for Neuromuscular disease caused by qualitative or quantitative defects of dysferlin. Last evaluated: 2026-01-19. Review status: criteria provided, single submitter. Criteria: Invitae Variant Classification Sherloc (09022015). Collection method: clinical testing. Allele origin: germline.
Comment: This sequence change replaces glycine, which is neutral and non-polar, with glutamic acid, which is acidic and polar, at codon 426 of the DYSF protein (p.Gly426Glu). This variant is not present in population databases (gnomAD no frequency). This variant has not been reported in the literature in individuals affected with DYSF-related conditions. ClinVar contains an entry for this variant (Variation ID: 3698600). Invitae Evidence Modeling of protein sequence and biophysical properties (such as structural, functional, and spatial information, amino acid conservation, physicochemical variation, residue mobility, and thermodynamic stability) indicates that this missense variant is expected to disrupt DYSF protein function with a positive predictive value of 95%. This variant disrupts the p.Gly426 amino acid residue in DYSF. Other variant(s) that disrupt this residue have been determined to be pathogenic (PMID: 18853459, 19309282, 32400077, 32528171). This suggests that this residue is clinically significant, and that variants that disrupt this residue are likely to be disease-causing. In summary, the currently available evidence indicates that the variant is pathogenic, but additional data are needed to prove that conclusively. Therefore, this variant has been classified as Likely Pathogenic.

Literature cited by the submitters: PubMed 18853459 (cited by Labcorp Genetics (formerly Invitae), Labcorp); PubMed 19309282 (cited by Labcorp Genetics (formerly Invitae), Labcorp); PubMed 32400077 (cited by Labcorp Genetics (formerly Invitae), Labcorp); PubMed 32528171 (cited by Labcorp Genetics (formerly Invitae), Labcorp).